The following is an entry in ClinVar:

NM_138983.3(OLIG1):c.792C>A (p.Ala264=)

Gene: OLIG1 (oligodendrocyte transcription factor 1; plus strand). Cytogenetic location: 21q22.11.
Variant type: single nucleotide variant.
Coding change: c.792C>A on transcript NM_138983.3 (MANE Select); coding-DNA position 792, C replaced by A.
Protein change: p.Ala264=; no amino-acid change (alanine 264 retained).
Molecular consequence: synonymous variant.
Genome position (GRCh38, 1-based): chr21:33,071,038, C>A. VCF-style: chr21-33071038-C-A. GRCh37 (hg19) VCF-style: chr21-34443344-C-A.
Identifiers: ClinVar variation 3777901 (VCV003777901.7).

ClinVar aggregate classification (germline): Likely benign (1 of 4 stars; one submission).

gnomAD v4.1: 8,245 of 1,508,888 alleles (0.55%); highest among the groups gnomAD compares: Non-Finnish European, 0.67%; 28 homozygotes.

Submission:

CeGaT Center for Human Genetics Tuebingen
Classification: Likely benign. Last evaluated: 2025-03-01. Review status: criteria provided, single submitter. Criteria: CeGaT Center For Human Genetics Tuebingen Variant Classification Criteria Version 2. Collection method: clinical testing. Allele origin: germline. Affected: yes. Observed: 1 variant allele.
Comment: OLIG1: BP4, BP7, BS2